The following is an entry in ClinVar:

NM_001844.5(COL2A1):c.4293C>A (p.Tyr1431Ter)

Gene: COL2A1 (collagen type II alpha 1 chain; minus strand). Cytogenetic location: 12q13.11.
Variant type: single nucleotide variant.
Coding change: c.4293C>A on transcript NM_001844.5 (MANE Select); coding-DNA position 4293, C replaced by A.
Protein change: p.Tyr1431Ter; replaces tyrosine 1431 with a stop codon.
Molecular consequence: nonsense.
Genome position (GRCh38, 1-based): chr12:47,974,113, G>T on the plus strand (C>A on the coding strand, the complement: COL2A1 is on the minus strand). VCF-style: chr12-47974113-G-T. GRCh37 (hg19) VCF-style: chr12-48367896-G-T.
Other names: c.4086C>A, p.Tyr1362Ter (NM_033150.3); short protein forms Y1362*, Y1431*.
Identifiers: ClinVar variation 1075253 (VCV001075253.9), dbSNP rs2136504848, ClinGen allele CA384533441.
Genomic context (GRCh38, chr12:47,974,113, plus strand): 5'-GCACAGGCAGCTCTTCTCTCTGGCAGCCCCACTCACCGTGCAGCCATCCTTCAGGGCAGT[G>T]TACGTGAACCTGCTATTGCCCTCTGCCCGGATCTCCACGTCATTGGAGCCCTGGATGAGC-3'

ClinVar aggregate classification (germline): Pathogenic (1 of 4 stars; one submission).

Submission:

Labcorp Genetics (formerly Invitae), Labcorp
Classification: Pathogenic. Last evaluated: 2018-04-06. Review status: criteria provided, single submitter. Criteria: Invitae Variant Classification Sherloc (09022015). Collection method: clinical testing. Allele origin: germline.
Comment: This variant is not present in population databases (ExAC no frequency). This sequence change results in a premature translational stop signal in the COL2A1 gene (p.Tyr1431*). While this is not anticipated to result in nonsense mediated decay, it is expected to delete the last 57 amino acids of the COL2A1 protein. Other truncations (such as p.C1438*, p.K1447*, p.Leu1434*) that lie downstream of this variant have been reported in individuals affected with COL2A1-related disease (PMID: 15316962, 21356074, 26443184). For these reasons, this variant has been classified as Pathogenic.

Literature cited by the submitters: PubMed 15316962; PubMed 21356074; PubMed 26443184.